The following is an entry in ClinVar:

NM_001035.3(RYR2):c.2125G>T (p.Gly709Trp)

Gene: RYR2 (ryanodine receptor 2; plus strand). Cytogenetic location: 1q43.
Variant type: single nucleotide variant.
Coding change: c.2125G>T on transcript NM_001035.3 (MANE Select); coding-DNA position 2125, G replaced by T.
Protein change: p.Gly709Trp; replaces glycine 709 with tryptophan.
Molecular consequence: missense variant.
Genome position (GRCh38, 1-based): chr1:237,496,674, G>T. VCF-style: chr1-237496674-G-T. GRCh37 (hg19) VCF-style: chr1-237659974-G-T.
Other names: c.2125G>T, p.Gly709Trp (LRG_402t1); short protein forms G709W.
Identifiers: ClinVar variation 532310 (VCV000532310.21), dbSNP rs775143324, ClinGen allele CA085957.
Genomic context (GRCh38, chr1:237,496,674, plus strand): 5'-GAAGCAACTCACCTGCGAGTGGGCTGGGCTTCCACTGAAGGATATTCTCCCTACCCTGGA[G>T]GGGGCGAAGAGTGGGGTGGAAATGGTGTTGGAGATGATCTCTTCTCCTATGGATTTGATG-3'
Protein context (NP_001026.2, residues 699-719): STEGYSPYPG[Gly709Trp]GEEWGGNGVG

ClinVar aggregate classification (germline): Uncertain significance. Review status: criteria provided, multiple submitters, no conflicts (2 of 4 stars). 5 submissions from 5 submitters: Uncertain significance (5). Last evaluated 2025-12-13.

Conditions:
Cardiovascular phenotype. Identifiers: MedGen CN230736.
Cardiomyopathy (CMYO). Also called: Cardiomyopathies. Identifiers: Orphanet 167848, MedGen C0878544, MONDO:0004994, HP:0001638. Inheritance: Various modes of inheritance.
Catecholaminergic polymorphic ventricular tachycardia (CVPT). Also called: Catecholamine-induced polymorphic ventricular tachycardia. Identifiers: Orphanet 3286, MedGen C5574922, MONDO:0017990.
Catecholaminergic polymorphic ventricular tachycardia 1. Also called: VENTRICULAR TACHYCARDIA, STRESS-INDUCED POLYMORPHIC 1; RYR2-Related Catecholaminergic Polymorphic Ventricular Tachycardia; VENTRICULAR TACHYCARDIA, CATECHOLAMINERGIC POLYMORPHIC, 1, WITH OR WITHOUT ATRIAL DYSFUNCTION AND/OR DILATED CARDIOMYOPATHY. Identifiers: Orphanet 3286, MedGen C1631597, MONDO:0011484, OMIM 604772.

Allele frequency attached by ClinVar (database versions not stated): gnomAD exomes below 0.00001; ExAC 0.00001; gnomAD 0.00001; TOPMed 0.00001.
gnomAD v4.1: 4 of 1,613,896 alleles (0.00025%); highest among the groups gnomAD compares: Non-Finnish European, 0.00034%; no homozygotes.

Submissions (5):

Labcorp Genetics (formerly Invitae), Labcorp
Classification: Uncertain significance for Catecholaminergic polymorphic ventricular tachycardia 1. Last evaluated: 2025-12-13. Review status: criteria provided, single submitter. Criteria: Invitae Variant Classification Sherloc (09022015). Collection method: clinical testing. Allele origin: germline.
Comment: This sequence change replaces glycine, which is neutral and non-polar, with tryptophan, which is neutral and slightly polar, at codon 709 of the RYR2 protein (p.Gly709Trp). This variant is present in population databases (rs775143324, gnomAD 0.0009%). This variant has not been reported in the literature in individuals affected with RYR2-related conditions. ClinVar contains an entry for this variant (Variation ID: 532310). Invitae Evidence Modeling of protein sequence and biophysical properties (such as structural, functional, and spatial information, amino acid conservation, physicochemical variation, residue mobility, and thermodynamic stability) indicates that this missense variant is expected to disrupt RYR2 protein function with a positive predictive value of 95%. In summary, the available evidence is currently insufficient to determine the role of this variant in disease. Therefore, it has been classified as a Variant of Uncertain Significance.

Ambry Genetics
Classification: Uncertain significance for Cardiovascular phenotype. Last evaluated: 2025-03-10. Review status: criteria provided, single submitter. Criteria: Ambry Variant Classification Scheme 2023. Collection method: clinical testing. Allele origin: germline.
Comment: The p.G709W variant (also known as c.2125G>T), located in coding exon 20 of the RYR2 gene, results from a G to T substitution at nucleotide position 2125. The glycine at codon 709 is replaced by tryptophan, an amino acid with highly dissimilar properties. This amino acid position is well conserved in available vertebrate species. In addition, this alteration is predicted to be deleterious by in silico analysis. Since supporting evidence is limited at this time, the clinical significance of this alteration remains unclear.

Blueprint Genetics
Classification: Uncertain significance. Last evaluated: 2024-09-11. Review status: criteria provided, single submitter. Criteria: ACMG Guidelines, 2015. Collection method: clinical testing. Allele origin: germline.

Color Diagnostics, LLC DBA Color Health
Classification: Uncertain significance for Cardiomyopathy. Last evaluated: 2024-03-07. Review status: criteria provided, single submitter. Criteria: ACMG Guidelines, 2015. Collection method: clinical testing. Allele origin: germline.
Comment: This variant is located in the RYR2 protein. Computational prediction suggests that this variant may have deleterious impact on protein structure and function (internally defined REVEL score threshold >= 0.7, PMID: 27666373). To our knowledge, functional studies have not been reported for this variant. This variant has not been reported in individuals affected with RYR2-related disorders in the literature. This variant has been identified in 1/249278 chromosomes in the general population by the Genome Aggregation Database (gnomAD). The available evidence is insufficient to determine the role of this variant in disease conclusively. Therefore, this variant is classified as a Variant of Uncertain Significance.

All of Us Research Program, National Institutes of Health
Classification: Uncertain significance for Catecholaminergic polymorphic ventricular tachycardia. Last evaluated: 2023-08-23. Review status: criteria provided, single submitter. Criteria: ACMG Guidelines, 2015. Collection method: clinical testing. Allele origin: germline. Inheritance: Autosomal dominant inheritance. Observed: 3 variant alleles, 3 heterozygotes.
Comment: This missense variant replaces glycine with tryptophan at codon 709 of the RYR2 protein. Computational prediction tool suggests that this variant may have deleterious impact on protein structure and function (internally defined REVEL score threshold >=0.7, PMID: 27666373). Splice site prediction tools suggest that this variant may not impact RNA splicing. To our knowledge, functional studies have not been performed for this variant. This variant has not been reported in individuals affected with cardiovascular disorders in the literature. This variant has been identified in 1/249278 chromosomes in the general population by the Genome Aggregation Database (gnomAD). The available evidence is insufficient to determine the role of this variant in disease conclusively. Therefore, this variant is classified as a Variant of Uncertain Significance.

This study involves interpretation of variants in research participants for the purpose of population health screening. Participant phenotype was not available at the time of variant classification. Additional details can be found in publication PMID: 35346344, PMCID: PMC8962531